The following is an entry in ClinVar:

NM_033026.6(PCLO):c.9217G>A (p.Gly3073Arg)

Gene: PCLO (piccolo presynaptic cytomatrix protein; minus strand). Cytogenetic location: 7q21.11.
Variant type: single nucleotide variant.
Coding change: c.9217G>A on transcript NM_033026.6 (MANE Select); coding-DNA position 9217, G replaced by A.
Protein change: p.Gly3073Arg; replaces glycine 3073 with arginine.
Molecular consequence: missense variant.
Genome position (GRCh38, 1-based): chr7:82,951,371, C>T on the plus strand (G>A on the coding strand, the complement: PCLO is on the minus strand). VCF-style: chr7-82951371-C-T. GRCh37 (hg19) VCF-style: chr7-82580687-C-T.
Other names: c.9217G>A, p.Gly3073Arg (NM_014510.3); c.9217G>A (NM_033026.5); short protein forms G3073R.
Identifiers: ClinVar variation 1471912 (VCV001471912.4), dbSNP rs756309574, ClinGen allele CA4319965.
Genomic context (GRCh38, chr7:82,951,371, plus strand): 5'-CTGAAGAATAGACAACACCATTAGATGACCTCAAAACACTCCCCACACAATACTGGGGTC[C>T]TGGTGGTGGTGTCATTCTTGCTGTGGAATACTGTGGGGTACTAATCCCAGCTCCTGAAAT-3'
Protein context (NP_149015.2, residues 3063-3083): YSTARMTPPP[Gly3073Arg]PQYCVGSVLR

ClinVar aggregate classification (germline): Uncertain significance. Review status: criteria provided, multiple submitters, no conflicts (2 of 4 stars). 2 submissions from 2 submitters: Uncertain significance (2). Last evaluated 2025-09-12.

Conditions:
PCLO-related disorder. Also called: PCLO-related condition.

Allele frequency attached by ClinVar (database versions not stated): gnomAD exomes 0.00002 and 0.00004; ExAC 0.00005.
gnomAD v4.1: 27 of 1,605,438 alleles (0.0017%); highest among the groups gnomAD compares: South Asian, 0.028%; no homozygotes.

Submissions (2):

PreventionGenetics, part of Exact Sciences
Classification: Uncertain significance for PCLO-related condition. Last evaluated: 2025-09-12. Review status: criteria provided, single submitter. Criteria: ACMG Guidelines, 2015. Collection method: clinical testing. Allele origin: germline.
Comment: The PCLO c.9217G>A variant is predicted to result in the amino acid substitution p.Gly3073Arg. To our knowledge, this variant has not been reported in the literature. This variant is reported in 0.035% of alleles in individuals of South Asian descent in gnomAD. At this time, the clinical significance of this variant is uncertain due to the absence of conclusive functional and genetic evidence.

Labcorp Genetics (formerly Invitae), Labcorp
Classification: Uncertain significance. Last evaluated: 2021-08-05. Review status: criteria provided, single submitter. Criteria: Invitae Variant Classification Sherloc (09022015). Collection method: clinical testing. Allele origin: germline.
Comment: This sequence change replaces glycine with arginine at codon 3073 of the PCLO protein (p.Gly3073Arg). The glycine residue is moderately conserved and there is a moderate physicochemical difference between glycine and arginine. This variant is present in population databases (rs756309574, ExAC 0.03%). This variant has not been reported in the literature in individuals affected with PCLO-related conditions. Algorithms developed to predict the effect of missense changes on protein structure and function are either unavailable or do not agree on the potential impact of this missense change (SIFT: "Deleterious"; PolyPhen-2: "Not Available"; Align-GVGD: "Class C0"). In summary, the available evidence is currently insufficient to determine the role of this variant in disease. Therefore, it has been classified as a Variant of Uncertain Significance.